The following is an entry in ClinVar:

ClinVar aggregate classification (germline): Uncertain significance (1 of 4 stars; one submission).

Conditions:
Breast-ovarian cancer, familial, susceptibility to, 1 (BROVCA1). Also called: BRCA1 Hereditary Breast and Ovarian Cancer; OVARIAN CANCER, SUSCEPTIBILITY TO. Identifiers: Orphanet 145, MedGen C2676676, MONDO:0011450, OMIM 604370. Disease mechanism: loss of function.

Submission:

Illumina Laboratory Services, Illumina
Classification: Uncertain significance for Breast-ovarian cancer, familial, susceptibility to, 1. Last evaluated: 2017-04-27. Review status: criteria provided, single submitter. Criteria: ICSL Variant Classification Criteria 13 December 2019. Collection method: clinical testing. Allele origin: germline.
Comment: This variant was observed as part of a predisposition screen in an ostensibly healthy population. A literature search was performed for the gene, cDNA change, and amino acid change (where applicable). Publications were found based on this search. However, the evidence from the literature, in combination with allele frequency data from public databases where available, was not sufficient to rule this variant in or out of causing disease. Therefore, this variant is classified as a variant of unknown significance.

Literature cited by the submitters: PubMed 23867111.

NM_007294.4(BRCA1):c.4766G>C (p.Arg1589Pro)

Gene: BRCA1 (BRCA1 DNA repair associated; minus strand). Cytogenetic location: 17q21.31.
Variant type: single nucleotide variant.
Coding change: c.4766G>C on transcript NM_007294.4 (MANE Select); coding-DNA position 4766, G replaced by C.
Protein change: p.Arg1589Pro; replaces arginine 1589 with proline.
Molecular consequence: missense variant. On other transcripts: non-coding transcript variant (1).
Genome position (GRCh38, 1-based): chr17:43,071,148, C>G on the plus strand (G>C on the coding strand, the complement: BRCA1 is on the minus strand). VCF-style: chr17-43071148-C-G. GRCh37 (hg19) VCF-style: chr17-41223165-C-G.
Other names: c.4553G>C, p.Arg1518Pro (NM_001407571.1, NM_001407895.1, NM_001407896.1 and 12 more transcripts); c.4832G>C, p.Arg1611Pro (NM_001407581.1, NM_001407582.1); c.4829G>C, p.Arg1610Pro (NM_001407583.1, NM_001407585.1, NM_001407587.1 and 1 more transcripts); c.4826G>C, p.Arg1609Pro (NM_001407590.1, NM_001407591.1); c.4766G>C, p.Arg1589Pro (NM_001407593.1, NM_001407594.1, NM_001407596.1 and 8 more transcripts); c.4763G>C, p.Arg1588Pro (NM_001407610.1, NM_001407611.1, NM_001407612.1 and 17 more transcripts); c.4760G>C, p.Arg1587Pro (NM_001407627.1, NM_001407628.1, NM_001407629.1 and 14 more transcripts); c.4757G>C, p.Arg1586Pro (NM_001407644.1, NM_001407645.1); and 70 more; short protein forms R1610P, R1542P, R485P, R1589P, R1292P, R1476P, R1478P, R1500P.
Identifiers: ClinVar variation 888623 (VCV000888623.5), dbSNP rs80357341, ClinGen allele CA10591979.